The following is an entry in ClinVar:

NM_001080467.3(MYO5B):c.3738G>C (p.Gln1246His)

Gene: MYO5B (myosin VB; minus strand). Cytogenetic location: 18q21.1.
Variant type: single nucleotide variant.
Coding change: c.3738G>C on transcript NM_001080467.3 (MANE Select); coding-DNA position 3738, G replaced by C.
Protein change: p.Gln1246His; replaces glutamine 1246 with histidine.
Molecular consequence: missense variant.
Genome position (GRCh38, 1-based): chr18:49,864,246, C>G on the plus strand (G>C on the coding strand, the complement: MYO5B is on the minus strand). VCF-style: chr18-49864246-C-G. GRCh37 (hg19) VCF-style: chr18-47390616-C-G.
Other names: short protein forms Q1246H.
Identifiers: ClinVar variation 1349914 (VCV001349914.5), dbSNP rs530758620, ClinGen allele CA8960610.
Genomic context (GRCh38, chr18:49,864,246, plus strand): 5'-GGTCCTGAGGATGAGCACCTCCTCCTTGCGCACCTCGAGCTCCTCGTGGGCCAGCTTGAG[C>G]TGGTTCAGCAGGAGGCTGTAGCTATCTGGGGAGCCGTGGCTGGAGTTATTCTGCGTGGCT-3'
Protein context (NP_001073936.1, residues 1236-1256): SPDSYSLLLN[Gln1246His]LKLAHEELEV

ClinVar aggregate classification (germline): Uncertain significance. Review status: criteria provided, multiple submitters, no conflicts (2 of 4 stars). 3 submissions from 3 submitters: Uncertain significance (3). Last evaluated 2025-09-10.

Conditions:
Cholestasis, progressive familial intrahepatic, 10 (PFIC10). Identifiers: MedGen C5676981, MONDO:0030810, OMIM 619868.
Congenital microvillous atrophy (DIAR2). Also called: CONGENITAL FAMILIAL PROTRACTED DIARRHEA WITH ENTEROCYTE BRUSH-BORDER ABNORMALITIES; DAVIDSON DISEASE; MICROVILLUS ATROPHY, CONGENITAL; Microvillus inclusion disease; Diarrhea 2 with microvillus atrophy, with or without cholestasis. Identifiers: Orphanet 2290, MedGen C0341306, MONDO:0009635, OMIM 251850.
MYO5B-related disorder. Also called: MYO5B-related condition.

Allele frequency attached by ClinVar (database versions not stated): gnomAD 0.00002; TOPMed 0.00004; gnomAD exomes 0.00008; 1000 Genomes Project 30x 0.00031; 1000 Genomes Project 0.00040.
gnomAD v4.1: 96 of 1,614,146 alleles (0.0059%); highest among the groups gnomAD compares: Middle Eastern, 0.033%; no homozygotes.

Submissions (3):

PreventionGenetics, part of Exact Sciences
Classification: Uncertain significance for MYO5B-related condition. Last evaluated: 2025-09-10. Review status: criteria provided, single submitter. Criteria: ACMG Guidelines, 2015. Collection method: clinical testing. Allele origin: germline.
Comment: The MYO5B c.3738G>C variant is predicted to result in the amino acid substitution p.Gln1246His. To our knowledge, this variant has not been reported in the literature. This variant is reported in 0.029% of alleles in individuals of South Asian descent in gnomAD. At this time, the clinical significance of this variant is uncertain due to the absence of conclusive functional and genetic evidence.

Labcorp Genetics (formerly Invitae), Labcorp
Classification: Uncertain significance. Last evaluated: 2022-05-21. Review status: criteria provided, single submitter. Criteria: Invitae Variant Classification Sherloc (09022015). Collection method: clinical testing. Allele origin: germline.
Comment: This sequence change replaces glutamine, which is neutral and polar, with histidine, which is basic and polar, at codon 1246 of the MYO5B protein (p.Gln1246His). This variant is present in population databases (rs530758620, gnomAD 0.03%). This variant has not been reported in the literature in individuals affected with MYO5B-related conditions. Algorithms developed to predict the effect of missense changes on protein structure and function are either unavailable or do not agree on the potential impact of this missense change (SIFT: "Deleterious"; PolyPhen-2: "Probably Damaging"; Align-GVGD: "Class C0"). In summary, the available evidence is currently insufficient to determine the role of this variant in disease. Therefore, it has been classified as a Variant of Uncertain Significance.

Fulgent Genetics
Classification: Uncertain significance for Congenital microvillous atrophy; Cholestasis, progressive familial intrahepatic, 10. Last evaluated: 2021-07-27. Review status: criteria provided, single submitter. Criteria: ACMG Guidelines, 2015. Collection method: clinical testing. Allele origin: unknown.